The following is an entry in ClinVar:

NM_005379.4(MYO1A):c.2250C>A (p.Ile750=)

Gene: MYO1A (myosin IA; minus strand). Cytogenetic location: 12q13.3.
Variant type: single nucleotide variant.
Coding change: c.2250C>A on transcript NM_005379.4 (MANE Select); coding-DNA position 2250, C replaced by A.
Protein change: p.Ile750=; no amino-acid change (isoleucine 750 retained).
Molecular consequence: synonymous variant.
Genome position (GRCh38, 1-based): chr12:57,036,796, G>T on the plus strand (C>A on the coding strand, the complement: MYO1A is on the minus strand). VCF-style: chr12-57036796-G-T. GRCh37 (hg19) VCF-style: chr12-57430580-G-T.
Other names: c.2250C>A, p.Ile750= (NM_001256041.2).
Identifiers: ClinVar variation 3025573 (VCV003025573.22), dbSNP rs753571710, ClinGen allele CA6639808.

ClinVar aggregate classification (germline): Likely benign (1 of 4 stars; one submission).

Allele frequency attached by ClinVar (database versions not stated): gnomAD 0.00001; gnomAD exomes 0.00001; TOPMed 0.00001; ExAC 0.00002.
gnomAD v4.1: 26 of 1,614,070 alleles (0.0016%); highest among the groups gnomAD compares: Middle Eastern, 0.12%; no homozygotes.

Submission:

CeGaT Center for Human Genetics Tuebingen
Classification: Likely benign. Last evaluated: 2024-02-01. Review status: criteria provided, single submitter. Criteria: CeGaT Center For Human Genetics Tuebingen Variant Classification Criteria Version 2. Collection method: clinical testing. Allele origin: germline. Affected: yes. Observed: 1 variant allele.
Comment: MYO1A: BP4